The following is an entry in ClinVar:

ClinVar aggregate classification (germline): Uncertain significance (1 of 4 stars; one submission).

Conditions:
Dilated cardiomyopathy 1CC (CMD1CC). Identifiers: Orphanet 154, MedGen C2751084, MONDO:0013147, OMIM 613122.
Hypertrophic cardiomyopathy 20. Identifiers: MedGen C3151267, MONDO:0013477, OMIM 613876.

Allele frequency attached by ClinVar (database versions not stated): ExAC 0.00001; gnomAD exomes 0.00001; TOPMed 0.00001.
gnomAD v4.1: 7 of 1,613,454 alleles (0.00043%); highest among the groups gnomAD compares: African/African-American, 0.004%; no homozygotes.

Submission:

Labcorp Genetics (formerly Invitae), Labcorp
Classification: Uncertain significance for Dilated cardiomyopathy 1CC; Hypertrophic cardiomyopathy 20. Last evaluated: 2020-05-31. Review status: criteria provided, single submitter. Criteria: Invitae Variant Classification Sherloc (09022015). Collection method: clinical testing. Allele origin: germline.
Comment: In summary, the available evidence is currently insufficient to determine the role of this variant in disease. Therefore, it has been classified as a Variant of Uncertain Significance. This variant has not been reported in the literature in individuals with NEXN-related conditions. Algorithms developed to predict the effect of missense changes on protein structure and function are either unavailable or do not agree on the potential impact of this missense change (SIFT: "Deleterious"; PolyPhen-2: "Probably Damaging"; Align-GVGD: "Class C0"). This variant is present in population databases (rs770360181, ExAC 0.02%). This sequence change replaces methionine with leucine at codon 38 of the NEXN protein (p.Met38Leu). The methionine residue is moderately conserved and there is a small physicochemical difference between methionine and leucine.

NM_144573.4(NEXN):c.112A>C (p.Met38Leu)

Gene: NEXN (nexilin F-actin binding protein; plus strand). Cytogenetic location: 1p31.1.
Variant type: single nucleotide variant.
Coding change: c.112A>C on transcript NM_144573.4 (MANE Select); coding-DNA position 112, A replaced by C.
Protein change: p.Met38Leu; replaces methionine 38 with leucine.
Molecular consequence: missense variant. On other transcripts: intron variant (1).
Genome position (GRCh38, 1-based): chr1:77,917,650, A>C. VCF-style: chr1-77917650-A-C. GRCh37 (hg19) VCF-style: chr1-78383335-A-C.
Other names: c.28-310A>C (NM_001172309.2); short protein forms M38L.
Identifiers: ClinVar variation 1056165 (VCV001056165.9), dbSNP rs770360181, ClinGen allele CA918565.